The following is an entry in ClinVar:

ClinVar aggregate classification (germline): Uncertain significance (1 of 4 stars; one submission).

Conditions:
Severe early-onset pulmonary alveolar proteinosis due to MARS deficiency. Also called: Interstitial lung and liver disease; PULMONARY ALVEOLAR PROTEINOSIS, REUNION ISLAND. Identifiers: Orphanet 440427, MedGen C4225400, MONDO:0014206, OMIM 615486.
Charcot-Marie-Tooth disease axonal type 2U. Also called: CHARCOT-MARIE-TOOTH NEUROPATHY, TYPE 2U; CHARCOT-MARIE-TOOTH DISEASE, AXONAL, AUTOSOMAL DOMINANT, TYPE 2U. Identifiers: Orphanet 397735, MedGen C4084821, MONDO:0014566, OMIM 616280.

Submission:

Labcorp Genetics (formerly Invitae), Labcorp
Classification: Uncertain significance for Charcot-Marie-Tooth disease axonal type 2U; Severe early-onset pulmonary alveolar proteinosis due to MARS deficiency. Last evaluated: 2024-09-26. Review status: criteria provided, single submitter. Criteria: Invitae Variant Classification Sherloc (09022015). Collection method: clinical testing. Allele origin: germline.
Comment: This sequence change falls in intron 5 of the MARS gene. It does not directly change the encoded amino acid sequence of the MARS protein. It affects a nucleotide within the consensus splice site. This variant is not present in population databases (gnomAD no frequency). This variant has not been reported in the literature in individuals affected with MARS-related conditions. Variants that disrupt the consensus splice site are a relatively common cause of aberrant splicing (PMID: 17576681, 9536098). Algorithms developed to predict the effect of sequence changes on RNA splicing suggest that this variant is not likely to affect RNA splicing. In summary, the available evidence is currently insufficient to determine the role of this variant in disease. Therefore, it has been classified as a Variant of Uncertain Significance.

Literature cited by the submitters: PubMed 17576681; PubMed 9536098.

NM_004990.4(MARS1):c.491-3C>T

Gene: MARS1 (methionyl-tRNA synthetase 1; plus strand). Cytogenetic location: 12q13.3.
Variant type: single nucleotide variant.
Coding change: c.491-3C>T on transcript NM_004990.4 (MANE Select); 3 bases into the intron before coding-DNA position 491, C replaced by T.
Molecular consequence: intron variant.
Genome position (GRCh38, 1-based): chr12:57,490,204, C>T. VCF-style: chr12-57490204-C-T. GRCh37 (hg19) VCF-style: chr12-57883987-C-T.
Identifiers: ClinVar variation 3755929 (VCV003755929.2).